The following is an entry in ClinVar:

NM_001364905.1(LRBA):c.7594A>G (p.Arg2532Gly)

Gene: LRBA (LPS responsive beige-like anchor protein; minus strand). Cytogenetic location: 4q31.3.
Variant type: single nucleotide variant.
Coding change: c.7594A>G on transcript NM_001364905.1 (MANE Select); coding-DNA position 7594, A replaced by G.
Protein change: p.Arg2532Gly; replaces arginine 2532 with glycine.
Molecular consequence: missense variant.
Genome position (GRCh38, 1-based): chr4:150,321,227, T>C on the plus strand (A>G on the coding strand, the complement: LRBA is on the minus strand). VCF-style: chr4-150321227-T-C. GRCh37 (hg19) VCF-style: chr4-151242379-T-C.
Other names: c.7594A>G, p.Arg2532Gly (NM_001199282.3); c.7609A>G, p.Arg2537Gly (NM_001367550.1); c.7627A>G, p.Arg2543Gly (NM_006726.5); short protein forms R2532G, R2543G, R2537G.
Identifiers: ClinVar variation 1426799 (VCV001426799.6), dbSNP rs781428559, ClinGen allele CA3101601.
Genomic context (GRCh38, chr4:150,321,227, plus strand): 5'-TTATAATGGTATTTCTTTACTTACCAGGAAGGTTGTGCCATTTGTTCACCGCAAATAACC[T>C]GTTAGCAGTGACTGTGATCACAGCGGGAGTTGCCAAACCAGGCTGGGTGTTGGCTGCCAC-3'
Protein context (NP_001351834.1, residues 2522-2542): TPAVITVTAN[Arg2532Gly]LFAVNKWHNL

ClinVar aggregate classification (germline): Uncertain significance (1 of 4 stars; one submission).

Conditions:
Combined immunodeficiency due to LRBA deficiency. Also called: Common variable immunodeficiency 8, with autoimmunity. Identifiers: Orphanet 445018, MedGen C3553512, MONDO:0013863, OMIM 614700.

Allele frequency attached by ClinVar (database versions not stated): gnomAD exomes below 0.00001; TOPMed below 0.00001; ExAC 0.00001.
gnomAD v4.1: 5 of 1,610,620 alleles (0.00031%); highest among the groups gnomAD compares: Admixed American, 0.0051%; no homozygotes.

Submission:

Labcorp Genetics (formerly Invitae), Labcorp
Classification: Uncertain significance for Combined immunodeficiency due to LRBA deficiency. Last evaluated: 2021-11-19. Review status: criteria provided, single submitter. Criteria: Invitae Variant Classification Sherloc (09022015). Collection method: clinical testing. Allele origin: germline.
Comment: In summary, the available evidence is currently insufficient to determine the role of this variant in disease. Therefore, it has been classified as a Variant of Uncertain Significance. Algorithms developed to predict the effect of missense changes on protein structure and function are either unavailable or do not agree on the potential impact of this missense change (SIFT: "Tolerated"; PolyPhen-2: "Probably Damaging"; Align-GVGD: "Class C0"). This variant has not been reported in the literature in individuals affected with LRBA-related conditions. This variant is present in population databases (rs781428559, gnomAD 0.006%). This sequence change replaces arginine, which is basic and polar, with glycine, which is neutral and non-polar, at codon 2543 of the LRBA protein (p.Arg2543Gly).